The following is an entry in ClinVar:

ClinVar aggregate classification (germline): Uncertain significance (1 of 4 stars; one submission).

Allele frequency attached by ClinVar (database versions not stated): gnomAD exomes below 0.00001; TOPMed 0.00001; gnomAD 0.00001.
gnomAD v4.1: 6 of 1,613,398 alleles (0.00037%); highest among the groups gnomAD compares: Non-Finnish European, 0.00051%; no homozygotes.

Submission:

GeneDx
Classification: Uncertain significance. Last evaluated: 2019-05-13. Review status: criteria provided, single submitter. Criteria: GeneDx Variant Classification Process June 2021. Collection method: clinical testing. Allele origin: germline. Affected: yes.
Comment: Not observed at a significant frequency in large population cohorts (Lek et al., 2016); In silico analysis, which includes protein predictors and evolutionary conservation, supports a deleterious effect; Has not been previously published as pathogenic or benign to our knowledge

NM_000170.3(GLDC):c.503T>C (p.Val168Ala)

Gene: GLDC (glycine decarboxylase; minus strand). Cytogenetic location: 9p24.1.
Variant type: single nucleotide variant.
Coding change: c.503T>C on transcript NM_000170.3 (MANE Select); coding-DNA position 503, T replaced by C.
Protein change: p.Val168Ala; replaces valine 168 with alanine.
Molecular consequence: missense variant.
Genome position (GRCh38, 1-based): chr9:6,610,324, A>G on the plus strand (T>C on the coding strand, the complement: GLDC is on the minus strand). VCF-style: chr9-6610324-A-G. GRCh37 (hg19) VCF-style: chr9-6610324-A-G.
Other names: short protein forms V168A.
Identifiers: ClinVar variation 1305823 (VCV001305823.2), dbSNP rs1241332349, ClinGen allele CA372898571.
Genomic context (GRCh38, chr9:6,610,324, plus strand): 5'-CCTGTGATGTCACACACCATGGTCTGGTAGTTGAGTAAACTCTCCAGCCTCCCCTGAGAC[A>G]CCTCAGGCTGGTATGGAGTATACTGGGTGATCCTGCAAGGGAAACAAAAGGTCTTGTCCA-3'
Protein context (NP_000161.2, residues 158-178): ITQYTPYQPE[Val168Ala]SQGRLESLLN